The following is an entry in ClinVar:

NM_201384.3(PLEC):c.9749C>T (p.Thr3250Met)

Gene: PLEC (plectin; minus strand). Cytogenetic location: 8q24.3.
Variant type: single nucleotide variant.
Coding change: c.9749C>T on transcript NM_201384.3 (MANE Select); coding-DNA position 9749, C replaced by T.
Protein change: p.Thr3250Met; replaces threonine 3250 with methionine.
Molecular consequence: missense variant.
Genome position (GRCh38, 1-based): chr8:143,920,072, G>A on the plus strand (C>T on the coding strand, the complement: PLEC is on the minus strand). VCF-style: chr8-143920072-G-A. GRCh37 (hg19) VCF-style: chr8-144994240-G-A.
Other names: c.9830C>T, p.Thr3277Met (NM_000445.5); c.9707C>T, p.Thr3236Met (NM_201378.4); c.9683C>T, p.Thr3228Met (NM_201379.3); c.10160C>T, p.Thr3387Met (NM_201380.4); c.9653C>T, p.Thr3218Met (NM_201381.3); c.9749C>T, p.Thr3250Met (NM_201382.4); c.9761C>T, p.Thr3254Met (NM_201383.3); short protein forms T3250M, T3387M, T3228M, T3236M, T3218M, T3254M, T3277M.
Identifiers: ClinVar variation 568860 (VCV000568860.20), dbSNP rs201349099, ClinGen allele CA4924866.

ClinVar aggregate classification (germline): Conflicting classifications of pathogenicity. Review status: criteria provided, conflicting classifications (1 of 4 stars). 7 submissions from 7 submitters: Uncertain significance (6); Likely benign (1). Last evaluated 2026-08-10.

Conditions:
PLEC-related disorder. Also called: PLEC-related disorders; PLEC-related condition.
Epidermolysis bullosa simplex 5C, with pyloric atresia (EBS5C). Also called: PLEC-Related Epidermolysis Bullosa with Pyloric Atresia; PLEC1-Related Epidermolysis Bullosa with Pyloric Atresia; Epidermolysis bullosa simplex with pyloric atresia. Identifiers: Orphanet 158684, MedGen C2677349, MONDO:0012807, OMIM 612138.
Epidermolysis bullosa simplex, Ogna type (EBS5A). Also called: Pidermolysis bullosa simplex 5A, Ogna type; EPIDERMOLYSIS BULLOSA SIMPLEX 5A, OGNA TYPE. Identifiers: Orphanet 79401, MedGen C0432317, MONDO:0007555, OMIM 131950.
Epidermolysis bullosa simplex 5B, with muscular dystrophy (EBS5B). Also called: Epidermolysis bullosa simplex with muscular dystrophy; EPIDERMOLYSIS BULLOSA SIMPLEX AND LIMB-GIRDLE MUSCULAR DYSTROPHY. Identifiers: Orphanet 257, MedGen C2931072, MONDO:0009181, OMIM 226670.
Epidermolysis bullosa simplex with nail dystrophy (EBS5D). Identifiers: MedGen C4225309, MONDO:0014661, OMIM 616487.
Autosomal recessive limb-girdle muscular dystrophy type 2Q (LGMDR17). Also called: MUSCULAR DYSTROPHY, LIMB-GIRDLE, AUTOSOMAL RECESSIVE 17. Identifiers: Orphanet 254361, MedGen C3150989, MONDO:0013390, OMIM 613723.
Inborn genetic diseases. Identifiers: MedGen C0950123, MeSH D030342.

Allele frequency attached by ClinVar (database versions not stated): ExAC 0.00004; gnomAD exomes 0.00004; gnomAD 0.00007 and 0.00008; TOPMed 0.00009; ESP Exome Variant Server 0.00016.
gnomAD v4.1: 75 of 1,613,262 alleles (0.0046%); highest among the groups gnomAD compares: African/African-American, 0.015%; no homozygotes.

Submissions (7):

PreventionGenetics, part of Exact Sciences
Classification: Uncertain significance for PLEC-related condition. Last evaluated: 2026-08-10. Review status: criteria provided, single submitter. Criteria: ACMG Guidelines, 2015. Collection method: clinical testing. Allele origin: germline.
Comment: The PLEC c.9830C>T variant is predicted to result in the amino acid substitution p.Thr3277Met. To our knowledge, this variant has not been reported in the literature in individuals with PLEC-related disorders. This variant is reported in 0.0083% of alleles in individuals of African descent in gnomAD. At this time, the clinical significance of this variant is uncertain due to the absence of conclusive functional and genetic evidence.

Labcorp Genetics (formerly Invitae), Labcorp
Classification: Uncertain significance for Autosomal recessive limb-girdle muscular dystrophy type 2Q; Epidermolysis bullosa simplex, Ogna type; Epidermolysis bullosa simplex with nail dystrophy; Epidermolysis bullosa simplex 5C, with pyloric atresia; Epidermolysis bullosa simplex 5B, with muscular dystrophy. Last evaluated: 2025-03-31. Review status: criteria provided, single submitter. Criteria: Invitae Variant Classification Sherloc (09022015). Collection method: clinical testing. Allele origin: germline.
Comment: This sequence change replaces threonine, which is neutral and polar, with methionine, which is neutral and non-polar, at codon 3277 of the PLEC protein (p.Thr3277Met). This variant is present in population databases (rs201349099, gnomAD 0.01%). This variant has not been reported in the literature in individuals affected with PLEC-related conditions. ClinVar contains an entry for this variant (Variation ID: 568860). An algorithm developed to predict the effect of missense changes on protein structure and function outputs the following: PolyPhen-2: "Benign". The methionine amino acid residue is found in multiple mammalian species, which suggests that this missense change does not adversely affect protein function. In summary, the available evidence is currently insufficient to determine the role of this variant in disease. Therefore, it has been classified as a Variant of Uncertain Significance.

Revvity Omics, Revvity
Classification: Uncertain significance. Last evaluated: 2024-08-08. Review status: criteria provided, single submitter. Criteria: ACMG Guidelines, 2015. Collection method: clinical testing. Allele origin: germline.

Ambry Genetics
Classification: Uncertain significance for Inborn genetic diseases. Last evaluated: 2022-04-28. Review status: criteria provided, single submitter. Criteria: Ambry Variant Classification Scheme 2023. Collection method: clinical testing. Allele origin: germline.

Eurofins Ntd Llc (ga)
Classification: Uncertain significance. Last evaluated: 2018-05-31. Review status: criteria provided, single submitter. Criteria: EGL ClinVar v180209 classification definitions. Collection method: clinical testing. Allele origin: germline. Observed: 3 variant alleles, 3 heterozygotes.

GeneDx
Classification: Likely benign. Last evaluated: 2018-03-28. Review status: criteria provided, single submitter. Criteria: GeneDx Variant Classification (06012015). Collection method: clinical testing. Allele origin: germline. Affected: yes.
Comment: This variant is considered likely benign or benign based on one or more of the following criteria: it is a conservative change, it occurs at a poorly conserved position in the protein, it is predicted to be benign by multiple in silico algorithms, and/or has population frequency not consistent with disease.

Athena Diagnostics
Classification: Uncertain significance. Last evaluated: 2017-12-28. Review status: criteria provided, single submitter. Criteria: Athena Diagnostics Criteria. Collection method: clinical testing. Allele origin: germline.